The following is an entry in ClinVar:

NM_182914.3(SYNE2):c.3951G>T (p.Arg1317Ser)

Gene: SYNE2 (spectrin repeat containing nuclear envelope protein 2; plus strand). Cytogenetic location: 14q23.2.
Variant type: single nucleotide variant.
Coding change: c.3951G>T on transcript NM_182914.3 (MANE Select); coding-DNA position 3951, G replaced by T.
Protein change: p.Arg1317Ser; replaces arginine 1317 with serine.
Molecular consequence: missense variant.
Genome position (GRCh38, 1-based): chr14:64,002,884, G>T. VCF-style: chr14-64002884-G-T. GRCh37 (hg19) VCF-style: chr14-64469602-G-T.
Other names: c.3951G>T, p.Arg1317Ser (NM_015180.6); short protein forms R1317S.
Identifiers: ClinVar variation 941922 (VCV000941922.8), dbSNP rs911680539, ClinGen allele CA261848099.

ClinVar aggregate classification (germline): Uncertain significance (1 of 4 stars; one submission).

Conditions:
Emery-Dreifuss muscular dystrophy 5, autosomal dominant (EDMD5). Also called: EMERY-DREIFUSS MUSCULAR DYSTROPHY 5. Identifiers: Orphanet 261, MedGen C2751805, MONDO:0013072, OMIM 612999.

Allele frequency attached by ClinVar (database versions not stated): gnomAD exomes below 0.00001 and 0.00001; TOPMed below 0.00001; gnomAD 0.00001.
gnomAD v4.1: 5 of 1,614,060 alleles (0.00031%); highest among the groups gnomAD compares: Admixed American, 0.0083%; no homozygotes.

Submission:

Labcorp Genetics (formerly Invitae), Labcorp
Classification: Uncertain significance for Emery-Dreifuss muscular dystrophy 5, autosomal dominant. Last evaluated: 2022-09-01. Review status: criteria provided, single submitter. Criteria: Invitae Variant Classification Sherloc (09022015). Collection method: clinical testing. Allele origin: germline.
Comment: In summary, the available evidence is currently insufficient to determine the role of this variant in disease. Therefore, it has been classified as a Variant of Uncertain Significance. Algorithms developed to predict the effect of missense changes on protein structure and function output the following: SIFT: "Tolerated"; PolyPhen-2: "Benign"; Align-GVGD: "Class C0". The serine amino acid residue is found in multiple mammalian species, which suggests that this missense change does not adversely affect protein function. ClinVar contains an entry for this variant (Variation ID: 941922). This variant has not been reported in the literature in individuals affected with SYNE2-related conditions. This variant is present in population databases (no rsID available, gnomAD 0.003%). This sequence change replaces arginine, which is basic and polar, with serine, which is neutral and polar, at codon 1317 of the SYNE2 protein (p.Arg1317Ser).